The following is an entry in ClinVar:

NM_130837.3(OPA1):c.1305+1G>T

Gene: OPA1 (OPA1 mitochondrial dynamin like GTPase; plus strand). Cytogenetic location: 3q29.
Variant type: single nucleotide variant.
Coding change: c.1305+1G>T on transcript NM_130837.3 (MANE Select); the canonical splice donor site of the intron after coding-DNA position 1305, G replaced by T.
Molecular consequence: splice donor variant.
Genome position (GRCh38, 1-based): chr3:193,643,050, G>T. VCF-style: chr3-193643050-G-T. GRCh37 (hg19) VCF-style: chr3-193360839-G-T.
Other names: c.768+1G>T (NM_001354664.2); c.771+1G>T (NM_001354663.2); c.1194+1G>T (NM_130834.3); c.1251+1G>T (NM_130836.3); c.1140+1G>T (NM_015560.3); c.1197+1G>T (NM_130835.3); c.1086+1G>T (NM_130832.3); c.1143+1G>T (NM_130833.3); and 1 more.
Identifiers: ClinVar variation 2203479 (VCV002203479.5), dbSNP rs745927258, ClinGen allele CA355789133.
Genomic context (GRCh38, chr3:193,643,050, plus strand): 5'-CATGAAATAGAACTTCGAATGAGGAAAAATGTGAAAGAAGGCTGTACCGTTAGCCCTGAG[G>T]TAAGGGTTGCAATTCATTTCAGTGACGTTTTATGGAAATTAAATGTTTATGATTTCAAAT-3'

ClinVar aggregate classification (germline): Pathogenic. Review status: criteria provided, multiple submitters, no conflicts (2 of 4 stars). 2 submissions from 2 submitters: Pathogenic (2). Last evaluated 2022-01-27.

Conditions:
OPA1-related disorder. Also called: OPA1-related disorders; OPA1-related condition.

Submissions (2):

Labcorp Genetics (formerly Invitae), Labcorp
Classification: Pathogenic. Last evaluated: 2022-01-27. Review status: criteria provided, single submitter. Criteria: Invitae Variant Classification Sherloc (09022015). Collection method: clinical testing. Allele origin: germline.
Comment: Disruption of this splice site has been observed in individuals with autosomal dominant optic atrophy (PMID: 14961560, 22857269). Algorithms developed to predict the effect of sequence changes on RNA splicing suggest that this variant may disrupt the consensus splice site. For these reasons, this variant has been classified as Pathogenic. This sequence change affects a donor splice site in intron 11 of the OPA1 gene. It is expected to disrupt RNA splicing. Variants that disrupt the donor or acceptor splice site typically lead to a loss of protein function (PMID: 16199547), and loss-of-function variants in OPA1 are known to be pathogenic (PMID: 11440988, 20157015, 20952381, 25012220). This variant is not present in population databases (gnomAD no frequency).

Blueprint Genetics
Classification: Pathogenic for OPA1-related disorders. Last evaluated: 2020-11-04. Review status: criteria provided, single submitter. Criteria: ACMG Guidelines, 2015. Collection method: clinical testing. Allele origin: germline. Affected: yes. Observed: 1 variant allele.

Literature cited by the submitters: PubMed 14961560 (cited by Labcorp Genetics (formerly Invitae), Labcorp); PubMed 22857269 (cited by Labcorp Genetics (formerly Invitae), Labcorp); PubMed 16199547 (cited by Labcorp Genetics (formerly Invitae), Labcorp); PubMed 11440988 (cited by Labcorp Genetics (formerly Invitae), Labcorp); PubMed 20157015 (cited by Labcorp Genetics (formerly Invitae), Labcorp); PubMed 20952381 (cited by Labcorp Genetics (formerly Invitae), Labcorp); PubMed 25012220 (cited by Labcorp Genetics (formerly Invitae), Labcorp).